The following is an entry in ClinVar:

ClinVar aggregate classification (germline): Uncertain significance (1 of 4 stars; one submission).

Submission:

GeneDx
Classification: Uncertain significance. Last evaluated: 2020-01-13. Review status: criteria provided, single submitter. Criteria: GeneDx Variant Classification Process June 2021. Collection method: clinical testing. Allele origin: germline. Affected: yes.
Comment: Has not been previously published as pathogenic or benign to our knowledge; Not observed in large population cohorts (Lek et al., 2016); In silico analysis, which includes protein predictors and evolutionary conservation, supports a deleterious effect

NM_001458.5(FLNC):c.1456_1458delinsTCA (p.Pro486Ser)

Gene: FLNC (filamin C; plus strand). Cytogenetic location: 7q32.1.
Variant type: Indel.
Coding change: c.1456_1458delinsTCA on transcript NM_001458.5 (MANE Select); coding-DNA positions 1456 to 1458, CCC replaced by TCA.
Protein change: p.Pro486Ser; replaces proline 486 with serine.
Molecular consequence: missense variant.
Genome position (GRCh38, 1-based): chr7:128,840,067-128,840,069, CCC replaced by TCA. VCF-style: chr7-128840067-CCC-TCA. GRCh37 (hg19) VCF-style: chr7-128480121-CCC-TCA.
Other names: c.1456_1458delinsTCA, p.Pro486Ser (NM_001127487.2); short protein forms P486S.
Identifiers: ClinVar variation 1311614 (VCV001311614.2), dbSNP rs2128934864, ClinGen allele CA2573052814.
Genomic context (GRCh38, chr7:128,840,067, plus strand): 5'-TCTCTTCCTCCCCTAGCCTGTAACCCCAACGCCTGCCGCGCCTCTGGGCGAGGCCTGCAG[CCC>TCA]AAGGGTGTTCGCGTGAAAGAGGTGGCTGACTTCAAGGTGTTTACCAAGGGTGCCGGCAGC-3'
Protein context (NP_001449.3, residues 476-496): ACRASGRGLQ[Pro486Ser]KGVRVKEVAD